The following is an entry in ClinVar:

NM_139284.3(LGI4):c.1560C>G (p.Cys520Trp)

Gene: LGI4 (leucine rich repeat LGI family member 4; minus strand). Cytogenetic location: 19q13.12.
Variant type: single nucleotide variant.
Coding change: c.1560C>G on transcript NM_139284.3 (MANE Select); coding-DNA position 1560, C replaced by G.
Protein change: p.Cys520Trp; replaces cysteine 520 with tryptophan.
Molecular consequence: missense variant.
Genome position (GRCh38, 1-based): chr19:35,125,247, G>C on the plus strand (C>G on the coding strand, the complement: LGI4 is on the minus strand). VCF-style: chr19-35125247-G-C. GRCh37 (hg19) VCF-style: chr19-35616151-G-C.
Other names: short protein forms C520W.
Identifiers: ClinVar variation 2662764 (VCV002662764.1), dbSNP rs2065123211, ClinGen allele CA405302879.

ClinVar aggregate classification (germline): Uncertain significance (1 of 4 stars; one submission).

Allele frequency attached by ClinVar (database versions not stated): TOPMed below 0.00001.

Submission:

GeneDx
Classification: Uncertain significance. Last evaluated: 2023-04-13. Review status: criteria provided, single submitter. Criteria: GeneDx Variant Classification Process June 2021. Collection method: clinical testing. Allele origin: germline. Affected: yes.
Comment: Not observed at significant frequency in large population cohorts (gnomAD); In silico analysis supports that this missense variant does not alter protein structure/function; Has not been previously published as pathogenic or benign to our knowledge